The following is an entry in ClinVar:

ClinVar aggregate classification (germline): Uncertain significance (1 of 4 stars; one submission).

Conditions:
Hereditary cancer-predisposing syndrome. Also called: Tumor predisposition; Hereditary Cancer Syndrome; Neoplastic Syndromes, Hereditary; Hereditary neoplastic syndrome. Identifiers: Orphanet 140162, MedGen C0027672, MeSH D009386, MONDO:0015356.

Submissions (2):

Ambry Genetics
Classification: Uncertain significance for Hereditary cancer-predisposing syndrome. Last evaluated: 2016-12-02. Review status: criteria provided, single submitter. Criteria: Ambry Variant Classification Scheme 2023. Collection method: clinical testing. Allele origin: germline.
Comment: The p.V1791M variant (also known as c.5371G>A), located in coding exon 20 of the BRCA1 gene, results from a G to A substitution at nucleotide position 5371. The valine at codon 1791 is replaced by methionine, an amino acid with highly similar properties. In a study assessing the utility of high-resolution melting analysis, this alteration was identified in 1/20 breast cancer probands and called a variant of uncertain significance (de Juan I et al. Breast Cancer Res. Treat., 2009 May;115:405-14). This amino acid position is highly conserved in available vertebrate species. In addition, this alteration is predicted to be deleterious by in silico analysis. Since supporting evidence is limited at this time, the clinical significance of this alteration remains unclear.

Brotman Baty Institute, University of Washington
No classification provided (evidence only). Condition: Breast-ovarian cancer, familial 1. Review status: no classification provided. Collection method: in vitro. Allele origin: not applicable. Functional consequence: functionally_normal. Not counted in ClinVar's aggregate classification.
ClinVar note: "not provided" was previously submitted as the classification for the variant. However, the classification appeared to be based only on an observation of functional data so it was converted to no classification on 2025-07-30.

Literature cited by the submitters: PubMed 18528753 (cited by Ambry Genetics).

NM_007294.4(BRCA1):c.5371G>A (p.Val1791Met)

Gene: BRCA1 (BRCA1 DNA repair associated; minus strand). Cytogenetic location: 17q21.31.
Variant type: single nucleotide variant.
Coding change: c.5371G>A on transcript NM_007294.4 (MANE Select); coding-DNA position 5371, G replaced by A.
Protein change: p.Val1791Met; replaces valine 1791 with methionine.
Molecular consequence: missense variant. On other transcripts: non-coding transcript variant (1), intron variant (1).
Genome position (GRCh38, 1-based): chr17:43,049,156, C>T on the plus strand (G>A on the coding strand, the complement: BRCA1 is on the minus strand). VCF-style: chr17-43049156-C-T. GRCh37 (hg19) VCF-style: chr17-41201173-C-T.
Other names: c.5158G>A, p.Val1720Met (NM_001407571.1, NM_001407894.1, NM_001407895.1 and 12 more transcripts); c.5437G>A, p.Val1813Met (NM_001407581.1, NM_001407582.1); c.5434G>A, p.Val1812Met (NM_001407583.1, NM_001407585.1, NM_001407587.1 and 1 more transcripts); c.5431G>A, p.Val1811Met (NM_001407590.1, NM_001407591.1); c.5371G>A, p.Val1791Met (NM_001407593.1, NM_001407594.1, NM_001407596.1 and 5 more transcripts); c.5368G>A, p.Val1790Met (NM_001407613.1, NM_001407614.1, NM_001407615.1 and 14 more transcripts); c.5365G>A, p.Val1789Met (NM_001407632.1, NM_001407633.1, NM_001407634.1 and 13 more transcripts); c.5293G>A, p.Val1765Met (NM_001407654.1, NM_001407655.1, NM_001407652.1 and 1 more transcripts); and 73 more; short protein forms V1791M, V687M, V1812M, V1744M, V1719M, V1723M, V1763M, V1787M.
Identifiers: ClinVar variation 234129 (VCV000234129.8), dbSNP rs145758886, ClinGen allele CA10580484.
Genomic context (GRCh38, chr17:43,049,156, plus strand): 5'-CTCTGACAGGGCACCCAATACTTACTGTGCCAAGGGTGAATGATGAAAGCTCCTTCACCA[C>T]AGAAGCACCACACAGCTGTACCATCCATTCCAGTTGATCTAAAATGGACATTTAGATGTA-3'
Protein context (NP_009225.1, residues 1781-1801): EWMVQLCGAS[Val1791Met]VKELSSFTLG